The following is an entry in ClinVar:

NM_000726.5(CACNB4):c.1403G>A (p.Arg468Gln)

Gene: CACNB4 (calcium voltage-gated channel auxiliary subunit beta 4; minus strand). Cytogenetic location: 2q23.3.
Variant type: single nucleotide variant.
Coding change: c.1403G>A on transcript NM_000726.5 (MANE Select); coding-DNA position 1403, G replaced by A.
Protein change: p.Arg468Gln; replaces arginine 468 with glutamine.
Molecular consequence: missense variant.
Genome position (GRCh38, 1-based): chr2:151,839,279, C>T on the plus strand (G>A on the coding strand, the complement: CACNB4 is on the minus strand). VCF-style: chr2-151839279-C-T. GRCh37 (hg19) VCF-style: chr2-152695793-C-T.
Other names: c.1349G>A, p.Arg450Gln (NM_001005746.4); c.1301G>A, p.Arg434Gln (NM_001005747.4); c.1217G>A, p.Arg406Gln (NM_001145798.3); c.1262G>A, p.Arg421Gln (NM_001320722.3, NM_001330118.2); c.1160G>A, p.Arg387Gln (NM_001330113.2); c.749G>A, p.Arg250Gln (NM_001330114.2); c.1112G>A, p.Arg371Gln (NM_001330115.2); c.1073G>A, p.Arg358Gln (NM_001330116.2); and 1 more; short protein forms R250Q, R358Q, R371Q, R434Q, R406Q, R421Q, R282Q, R387Q.
Identifiers: ClinVar variation 944054 (VCV000944054.9), dbSNP rs1169898698, ClinGen allele CA348811461.

ClinVar aggregate classification (germline): Uncertain significance (1 of 4 stars; one submission).

Conditions:
Idiopathic generalized epilepsy. Also called: Generalised epilepsy; EIG. Identifiers: MedGen C0270850, MONDO:0005579, OMIM 600669.

Allele frequency attached by ClinVar (database versions not stated): gnomAD exomes below 0.00001; TOPMed 0.00001; gnomAD 0.00003.
gnomAD v4.1: 14 of 1,613,534 alleles (0.00087%); highest among the groups gnomAD compares: Admixed American, 0.0033%; no homozygotes.

Submission:

Labcorp Genetics (formerly Invitae), Labcorp
Classification: Uncertain significance for Idiopathic generalized epilepsy. Last evaluated: 2022-09-07. Review status: criteria provided, single submitter. Criteria: Invitae Variant Classification Sherloc (09022015). Collection method: clinical testing. Allele origin: germline.
Comment: Algorithms developed to predict the effect of missense changes on protein structure and function output the following: SIFT: "Tolerated"; PolyPhen-2: "Benign"; Align-GVGD: "Class C0". The glutamine amino acid residue is found in multiple mammalian species, which suggests that this missense change does not adversely affect protein function. ClinVar contains an entry for this variant (Variation ID: 944054). This missense change has been observed in individual(s) with severe myoclonic epilepsy in infancy (PMID: 18755274). This variant is present in population databases (no rsID available, gnomAD 0.002%). This sequence change replaces arginine, which is basic and polar, with glutamine, which is neutral and polar, at codon 468 of the CACNB4 protein (p.Arg468Gln). Experimental studies have shown that this missense change affects CACNB4 function (PMID: 18755274). In summary, the available evidence is currently insufficient to determine the role of this variant in disease. Therefore, it has been classified as a Variant of Uncertain Significance.

Literature cited by the submitters: PubMed 18755274.